The following is an entry in ClinVar:

NM_002519.3(NPAT):c.1340T>C (p.Val447Ala)

Gene: NPAT (nuclear protein, coactivator of histone transcription; minus strand). Cytogenetic location: 11q22.3.
Variant type: single nucleotide variant.
Coding change: c.1340T>C on transcript NM_002519.3 (MANE Select); coding-DNA position 1340, T replaced by C.
Protein change: p.Val447Ala; replaces valine 447 with alanine.
Molecular consequence: missense variant.
Genome position (GRCh38, 1-based): chr11:108,173,644, A>G on the plus strand (T>C on the coding strand, the complement: NPAT is on the minus strand). VCF-style: chr11-108173644-A-G. GRCh37 (hg19) VCF-style: chr11-108044371-A-G.
Other names: c.1340T>C, p.Val447Ala (NM_001321307.1); short protein forms V447A.
Identifiers: ClinVar variation 3222460 (VCV003222460.1), dbSNP rs2496721673, ClinGen allele CA382515556.

ClinVar aggregate classification (germline): Uncertain significance (1 of 4 stars; one submission).

Submission:

Ambry Genetics
Classification: Uncertain significance. Last evaluated: 2023-10-12. Review status: criteria provided, single submitter. Criteria: Ambry Variant Classification Scheme 2023. Collection method: clinical testing. Allele origin: germline.
Comment: The p.V447A variant (also known as c.1340T>C), located in coding exon 13 of the NPAT gene, results from a T to C substitution at nucleotide position 1340. The valine at codon 447 is replaced by alanine, an amino acid with similar properties. This amino acid position is conserved. In addition, this alteration is predicted to be tolerated by in silico analysis. Since supporting evidence is limited at this time, the clinical significance of this alteration remains unclear.